The following is an entry in ClinVar:

ClinVar aggregate classification (germline): Uncertain significance (1 of 4 stars; one submission).

gnomAD v4.1: 3 of 1,197,661 alleles (0.00025%); highest among the groups gnomAD compares: African/African-American, 0.0018%; no homozygotes.

Submission:

GeneDx
Classification: Uncertain significance. Last evaluated: 2024-06-17. Review status: criteria provided, single submitter. Criteria: GeneDx Variant Classification Process June 2021. Collection method: clinical testing. Allele origin: germline. Affected: yes.
Comment: Not observed at significant frequency in large population cohorts (gnomAD); In silico analysis indicates that this missense variant does not alter protein structure/function; Has not been previously published as pathogenic or benign to our knowledge

NM_001081550.2(THOC2):c.1903A>T (p.Ile635Phe)

Gene: THOC2 (THO complex subunit 2; minus strand). Cytogenetic location: Xq25.
Variant type: single nucleotide variant.
Coding change: c.1903A>T on transcript NM_001081550.2 (MANE Select); coding-DNA position 1903, A replaced by T.
Protein change: p.Ile635Phe; replaces isoleucine 635 with phenylalanine.
Molecular consequence: missense variant.
Genome position (GRCh38, 1-based): chrX:123,638,061, T>A on the plus strand (A>T on the coding strand, the complement: THOC2 is on the minus strand). VCF-style: chrX-123638061-T-A. GRCh37 (hg19) VCF-style: chrX-122771912-T-A.
Other names: short protein forms I635F.
Identifiers: ClinVar variation 3391538 (VCV003391538.1).
Genomic context (GRCh38, chrX:123,638,061, plus strand): 5'-CACAGATAGTAATTTCATCTTTGGAAAAATAAAAATACTTACTCTGAAGCCAGCTTGAGA[T>A]GGTTGTGTCATCATGTTTCATTCTTTCCTTTTCTGGATTAGCTAAAGCTTCAATGATACA-3'
Protein context (NP_001075019.1, residues 625-645): KERMKHDDTT[Ile635Phe]SSWLQSLASF